The following is an entry in ClinVar:

ClinVar aggregate classification (germline): Conflicting classifications of pathogenicity. Review status: criteria provided, conflicting classifications (1 of 4 stars). 2 submissions from 2 submitters: Uncertain significance (1); Likely benign (1). Last evaluated 2025-02-16.

Conditions:
Holoprosencephaly 11 (HPE11). Identifiers: Orphanet 2162, MedGen C3280215, MONDO:0013642, OMIM 614226.

Submissions (2):

Laboratory of Genetics, Children's Clinical University Hospital Latvia
Classification: Likely benign. Last evaluated: 2025-02-16. Review status: criteria provided, single submitter. Criteria: ACMG Guidelines, 2015. Collection method: clinical testing. Allele origin: germline. Affected: yes.

Labcorp Genetics (formerly Invitae), Labcorp
Classification: Uncertain significance for Holoprosencephaly 11. Last evaluated: 2024-01-16. Review status: criteria provided, single submitter. Criteria: Invitae Variant Classification Sherloc (09022015). Collection method: clinical testing. Allele origin: germline.
Comment: This variant, c.3197_3198insATTGAATGGGAGCCTAAA, results in the insertion of 6 amino acid(s) of the CDON protein (p.Leu1065_Asn1066insLysLeuAsnGlySerLeu), but otherwise preserves the integrity of the reading frame. This variant is present in population databases (rs780575399, gnomAD 0.02%). This variant has not been reported in the literature in individuals affected with CDON-related conditions. In summary, the available evidence is currently insufficient to determine the role of this variant in disease. Therefore, it has been classified as a Variant of Uncertain Significance.

NM_001378964.1(CDON):c.3197_3198insATTGAATGGGAGCCTAAA (p.Leu1065_Asn1066insLysLeuAsnGlySerLeu)

Gene: CDON (cell adhesion associated, oncogene regulated; minus strand). Cytogenetic location: 11q24.2.
Variant type: Insertion.
Coding change: c.3197_3198insATTGAATGGGAGCCTAAA on transcript NM_001378964.1 (MANE Select); coding-DNA positions 3197 to 3198, ATTGAATGGGAGCCTAAA inserted.
Protein change: p.Leu1065_Asn1066insLysLeuAsnGlySerLeu.
Molecular consequence: inframe insertion. On other transcripts: inframe indel (2).
Genome position: GRCh38 VCF-style: chr11-125981127-A-ATTTAGGCTCCCATTCAAT. GRCh37 (hg19) VCF-style: chr11-125851022-A-ATTTAGGCTCCCATTCAAT.
Other names: c.3181_3182insTGAATGGGAGCCTAAAAT, p.Leu1065_Asn1066insLysLeuAsnGlySerLeu (NM_001243597.3, NM_016952.6).
Identifiers: ClinVar variation 2737484 (VCV002737484.4), dbSNP rs780575399, ClinGen allele CA6351486.